The following is an entry in ClinVar:

NM_014967.5(FAN1):c.2218A>G (p.Thr740Ala)

Genes: FAN1 (FANCD2 and FANCI associated nuclease 1; plus strand), MTMR10 (myotubularin related protein 10; minus strand). Cytogenetic location: 15q13.3.
Variant type: single nucleotide variant.
Coding change: c.2218A>G on transcript NM_014967.5 (MANE Select); coding-DNA position 2218, A replaced by G.
Protein change: p.Thr740Ala; replaces threonine 740 with alanine.
Molecular consequence: missense variant.
Genome position (GRCh38, 1-based): chr15:30,925,172, A>G. VCF-style: chr15-30925172-A-G. GRCh37 (hg19) VCF-style: chr15-31217375-A-G.
Other names: short protein forms T740A.
Identifiers: ClinVar variation 1304108 (VCV001304108.2), dbSNP rs2062428122, ClinGen allele CA391514863.

ClinVar aggregate classification (germline): Uncertain significance (1 of 4 stars; one submission).

Allele frequency attached by ClinVar (database versions not stated): gnomAD exomes below 0.00001; gnomAD 0.00001.
gnomAD v4.1: 2 of 1,613,876 alleles (0.00012%); highest among the groups gnomAD compares: South Asian, 0.0022%; no homozygotes.

Submission:

GeneDx
Classification: Uncertain significance. Last evaluated: 2020-11-25. Review status: criteria provided, single submitter. Criteria: GeneDx Variant Classification Process June 2021. Collection method: clinical testing. Allele origin: germline. Affected: yes.
Comment: Not observed in large population cohorts (Lek et al., 2016); In silico analysis supports that this missense variant does not alter protein structure/function; Has not been previously published as pathogenic or benign to our knowledge